The following is an entry in ClinVar:

NM_000186.4(CFH):c.1874-3T>C

Gene: CFH (complement factor H; plus strand). Cytogenetic location: 1q31.3.
Variant type: single nucleotide variant.
Coding change: c.1874-3T>C on transcript NM_000186.4 (MANE Select); 3 bases into the intron before coding-DNA position 1874, T replaced by C.
Molecular consequence: intron variant.
Genome position (GRCh38, 1-based): chr1:196,726,467, T>C. VCF-style: chr1-196726467-T-C. GRCh37 (hg19) VCF-style: chr1-196695597-T-C.
Identifiers: ClinVar variation 2871264 (VCV002871264.3), dbSNP rs1669139358, ClinGen allele CA1010863462.

ClinVar aggregate classification (germline): Uncertain significance (1 of 4 stars; one submission).

Allele frequency attached by ClinVar (database versions not stated): gnomAD 0.00001.
gnomAD v4.1: 10 of 1,603,552 alleles (0.00062%); highest among the groups gnomAD compares: South Asian, 0.0011%; no homozygotes.

Submission:

Labcorp Genetics (formerly Invitae), Labcorp
Classification: Uncertain significance. Last evaluated: 2022-11-14. Review status: criteria provided, single submitter. Criteria: Invitae Variant Classification Sherloc (09022015). Collection method: clinical testing. Allele origin: germline.
Comment: In summary, the available evidence is currently insufficient to determine the role of this variant in disease. Therefore, it has been classified as a Variant of Uncertain Significance. Variants that disrupt the consensus splice site are a relatively common cause of aberrant splicing (PMID: 17576681, 9536098). Algorithms developed to predict the effect of sequence changes on RNA splicing suggest that this variant may create or strengthen a splice site. This variant has not been reported in the literature in individuals affected with CFH-related conditions. This variant is not present in population databases (gnomAD no frequency). This sequence change falls in intron 12 of the CFH gene. It does not directly change the encoded amino acid sequence of the CFH protein. It affects a nucleotide within the consensus splice site.

Literature cited by the submitters: PubMed 17576681; PubMed 9536098.